The following is an entry in ClinVar:

ClinVar aggregate classification (germline): Pathogenic (1 of 4 stars; one submission).

Conditions:
Early-infantile DEE. Also called: Early infantile epileptic encephalopathy; Early infantile epileptic encephalopathy with suppression bursts; Ohtahara syndrome. Identifiers: Orphanet 1934, MedGen C0393706, MONDO:0800491.

Submission:

Labcorp Genetics (formerly Invitae), Labcorp
Classification: Pathogenic for Early-infantile DEE. Last evaluated: 2025-09-08. Review status: criteria provided, single submitter. Criteria: Invitae Variant Classification Sherloc (09022015). Collection method: clinical testing. Allele origin: germline.
Comment: This sequence change replaces glutamic acid, which is acidic and polar, with lysine, which is basic and polar, at codon 951 of the SCN1A protein (p.Glu951Lys). This variant is not present in population databases (gnomAD no frequency). This missense change has been observed in individual(s) with clinical features of SCN1A-related conditions and/or Dravet syndrome (PMID: 35072530, 38880818; internal data). In at least one individual the variant was observed to be de novo. ClinVar contains an entry for this variant (Variation ID: 2100352). Invitae Evidence Modeling of protein sequence and biophysical properties (such as structural, functional, and spatial information, amino acid conservation, physicochemical variation, residue mobility, and thermodynamic stability) indicates that this missense variant is expected to disrupt SCN1A protein function with a positive predictive value of 95%. This variant disrupts the p.Glu951Ala amino acid residue in SCN1A. Other variant(s) that disrupt this residue have been observed in individuals with SCN1A-related conditions (PMID: 31864146), which suggests that this may be a clinically significant amino acid residue. For these reasons, this variant has been classified as Pathogenic.

Literature cited by the submitters: PubMed 35072530; PubMed 38880818; PubMed 31864146.

NM_001165963.4(SCN1A):c.2851G>A (p.Glu951Lys)

Gene: SCN1A (sodium voltage-gated channel alpha subunit 1; minus strand). Cytogenetic location: 2q24.3.
Variant type: single nucleotide variant.
Coding change: c.2851G>A on transcript NM_001165963.4 (MANE Select); coding-DNA position 2851, G replaced by A.
Protein change: p.Glu951Lys; replaces glutamic acid 951 with lysine.
Molecular consequence: missense variant. On other transcripts: non-coding transcript variant (1).
Genome position (GRCh38, 1-based): chr2:166,037,871, C>T on the plus strand (G>A on the coding strand, the complement: SCN1A is on the minus strand). VCF-style: chr2-166037871-C-T. GRCh37 (hg19) VCF-style: chr2-166894381-C-T.
Other names: c.2815G>A, p.Glu939Lys (NM_001353954.2, NM_001353955.2); c.2767G>A, p.Glu923Lys (NM_001353957.2, NM_001353958.2, NM_001165964.3); c.2764G>A, p.Glu922Lys (NM_001353960.2); c.409G>A, p.Glu137Lys (NM_001353961.2); c.2818G>A, p.Glu940Lys (NM_006920.6, NM_001353949.2, NM_001353950.2 and 2 more transcripts); c.2851G>A, p.Glu951Lys (NM_001202435.3, NM_001353948.2); short protein forms E922K, E939K, E951K, E940K, E137K, E923K.
Identifiers: ClinVar variation 2100352 (VCV002100352.4), dbSNP rs1553541206, ClinGen allele CA349061168.